The following is an entry in ClinVar:

ClinVar aggregate classification (germline): Likely benign (0 of 4 stars; one submission).

Conditions:
TRAP1-related disorder. Also called: TRAP1-related condition.

Allele frequency attached by ClinVar (database versions not stated): TOPMed 0.00001; ExAC 0.00002; gnomAD 0.00002; gnomAD exomes 0.00004; 1000 Genomes Project 30x 0.00016; 1000 Genomes Project 0.00020.
gnomAD v4.1: 63 of 1,614,116 alleles (0.0039%); highest among the groups gnomAD compares: Middle Eastern, 0.033%; no homozygotes.

Submission:

PreventionGenetics, part of Exact Sciences
Classification: Likely benign for TRAP1-related condition. Last evaluated: 2019-03-18. Review status: no assertion criteria provided. Collection method: clinical testing. Allele origin: germline.
Comment: This variant is classified as likely benign based on ACMG/AMP sequence variant interpretation guidelines (Richards et al. 2015 PMID: 25741868, with internal and published modifications).

NM_016292.3(TRAP1):c.966C>T (p.His322=)

Gene: TRAP1 (TNF receptor associated protein 1; minus strand). Cytogenetic location: 16p13.3.
Variant type: single nucleotide variant.
Coding change: c.966C>T on transcript NM_016292.3 (MANE Select); coding-DNA position 966, C replaced by T.
Protein change: p.His322=; no amino-acid change (histidine 322 retained).
Molecular consequence: synonymous variant.
Genome position (GRCh38, 1-based): chr16:3,674,417, G>A on the plus strand (C>T on the coding strand, the complement: TRAP1 is on the minus strand). VCF-style: chr16-3674417-G-A. GRCh37 (hg19) VCF-style: chr16-3724418-G-A.
Other names: c.807C>T, p.His269= (NM_001272049.2).
Identifiers: ClinVar variation 3051937 (VCV003051937.2), dbSNP rs562153382, ClinGen allele CA7868370.